The following is an entry in ClinVar:

NM_001042545.2(LTBP4):c.954C>T (p.Asp318=)

Genes: LTBP4 (latent transforming growth factor beta binding protein 4; plus strand), LOC121627876 (Sharpr-MPRA regulatory region 12022; plus strand). Cytogenetic location: 19q13.2.
Variant type: single nucleotide variant.
Coding change: c.954C>T on transcript NM_001042545.2 (MANE Select); coding-DNA position 954, C replaced by T.
Protein change: p.Asp318=; no amino-acid change (aspartic acid 318 retained).
Molecular consequence: synonymous variant.
Genome position (GRCh38, 1-based): chr19:40,606,489, C>T. VCF-style: chr19-40606489-C-T. GRCh37 (hg19) VCF-style: chr19-41112395-C-T.
Other names: c.1155C>T, p.Asp385= (NM_001042544.1); c.1044C>T, p.Asp348= (NM_003573.2).
Identifiers: ClinVar variation 1013161 (VCV001013161.43), dbSNP rs368352118, ClinGen allele CA9448153.
Genomic context (GRCh38, chr19:40,606,489, plus strand): 5'-GCGCTGCCAGCACGGCGAGTGTGCAAACACGCGCGGCGGGTACACGTGTGTGTGCCCCGA[C>T]GGCTTTCTGCTCGACTCGTCCCGCAGCAGCTGCATCTGTGAGCAACCAGCAGGGAGCTGA-3'
Protein context (NP_001036010.1, residues 308-328): TRGGYTCVCP[Asp318=]GFLLDSSRSS

ClinVar aggregate classification (germline): Likely benign. Review status: criteria provided, multiple submitters, no conflicts (2 of 4 stars). 2 submissions from 2 submitters: Likely benign (2). Last evaluated 2026-01-06.

Allele frequency attached by ClinVar (database versions not stated): TOPMed 0.00010; gnomAD exomes 0.00013; 1000 Genomes Project 30x 0.00016; ESP Exome Variant Server 0.00024; ExAC 0.00050.
gnomAD v4.1: 335 of 1,576,290 alleles (0.021%); highest among the groups gnomAD compares: Non-Finnish European, 0.028%; 1 homozygote.

Submissions (2):

Labcorp Genetics (formerly Invitae), Labcorp
Classification: Likely benign. Last evaluated: 2026-01-06. Review status: criteria provided, single submitter. Criteria: Invitae Variant Classification Sherloc (09022015). Collection method: clinical testing. Allele origin: germline.

CeGaT Center for Human Genetics Tuebingen
Classification: Likely benign. Last evaluated: 2026-01-01. Review status: criteria provided, single submitter. Criteria: CeGaT Center For Human Genetics Tuebingen Variant Classification Criteria Version 2. Collection method: clinical testing. Allele origin: germline. Affected: yes. Observed: 2 variant alleles.
Comment: LTBP4: BP4, BP7